The following is an entry in ClinVar:

NM_001430.5(EPAS1):c.481G>C (p.Asp161His)

Genes: EPAS1 (endothelial PAS domain protein 1; plus strand), LOC126806210 (BRD4-independent group 4 enhancer GRCh37_chr2:46587586-46588785; plus strand). Cytogenetic location: 2p21.
Variant type: single nucleotide variant.
Coding change: c.481G>C on transcript NM_001430.5 (MANE Select); coding-DNA position 481, G replaced by C.
Protein change: p.Asp161His; replaces aspartic acid 161 with histidine.
Molecular consequence: missense variant.
Genome position (GRCh38, 1-based): chr2:46,360,664, G>C. VCF-style: chr2-46360664-G-C. GRCh37 (hg19) VCF-style: chr2-46587803-G-C.
Other names: short protein forms D161H.
Identifiers: ClinVar variation 1743349 (VCV001743349.2), dbSNP rs141965374, ClinGen allele CA346699016.

ClinVar aggregate classification (germline): Uncertain significance (1 of 4 stars; one submission).

Conditions:
Inborn genetic diseases. Identifiers: MedGen C0950123, MeSH D030342.

gnomAD v4.1: 1 of 1,613,754 alleles (0.000062%); highest among the groups gnomAD compares: African/African-American, 0.0013%; no homozygotes.

Submission:

Ambry Genetics
Classification: Uncertain significance for Inborn genetic diseases. Last evaluated: 2022-02-12. Review status: criteria provided, single submitter. Criteria: Ambry Variant Classification Scheme 2023. Collection method: clinical testing. Allele origin: germline.
Comment: The p.D161H variant (also known as c.481G>C), located in coding exon 5 of the EPAS1 gene, results from a G to C substitution at nucleotide position 481. The aspartic acid at codon 161 is replaced by histidine, an amino acid with similar properties. This amino acid position is conserved. In addition, this alteration is predicted to be tolerated by in silico analysis. Since supporting evidence is limited at this time, the clinical significance of this alteration remains unclear.